The following is an entry in ClinVar:

NM_198129.4(LAMA3):c.8154A>C (p.Gly2718=)

Gene: LAMA3 (laminin subunit alpha 3; plus strand). Cytogenetic location: 18q11.2.
Variant type: single nucleotide variant.
Coding change: c.8154A>C on transcript NM_198129.4 (MANE Select); coding-DNA position 8154, A replaced by C.
Protein change: p.Gly2718=; no amino-acid change (glycine 2718 retained).
Molecular consequence: synonymous variant.
Genome position (GRCh38, 1-based): chr18:23,921,562, A>C. VCF-style: chr18-23921562-A-C. GRCh37 (hg19) VCF-style: chr18-21501526-A-C.
Other names: c.3327A>C, p.Gly1109= (NM_000227.6); c.7986A>C, p.Gly2662= (NM_001127717.4); c.3159A>C, p.Gly1053= (NM_001127718.4).
Identifiers: ClinVar variation 730622 (VCV000730622.12), dbSNP rs149789872, ClinGen allele CA8916844.

ClinVar aggregate classification (germline): Likely benign. Review status: criteria provided, multiple submitters, no conflicts (2 of 4 stars). 2 submissions from 2 submitters: Likely benign (2). Last evaluated 2026-01-19.

Conditions:
LAMA3-related disorder. Also called: LAMA3-related condition; LAMA3-related disorders.

Allele frequency attached by ClinVar (database versions not stated): gnomAD exomes 0.00006 and 0.00010; ExAC 0.00014; ESP Exome Variant Server 0.00038; TOPMed 0.00047; gnomAD 0.00048 and 0.00049; 1000 Genomes Project 30x 0.00078; 1000 Genomes Project 0.00080.
gnomAD v4.1: 156 of 1,613,952 alleles (0.0097%); highest among the groups gnomAD compares: African/African-American, 0.19%; no homozygotes.

Submissions (2):

Labcorp Genetics (formerly Invitae), Labcorp
Classification: Likely benign. Last evaluated: 2026-01-19. Review status: criteria provided, single submitter. Criteria: Invitae Variant Classification Sherloc (09022015). Collection method: clinical testing. Allele origin: germline.

PreventionGenetics, part of Exact Sciences
Classification: Likely benign for LAMA3-related condition. Last evaluated: 2025-05-12. Review status: criteria provided, single submitter. Criteria: ACMG Guidelines, 2015. Collection method: clinical testing. Allele origin: germline.
Comment: This variant is classified as likely benign based on ACMG/AMP sequence variant interpretation guidelines (Richards et al. 2015 PMID: 25741868, with internal and published modifications).